The following is an entry in ClinVar:

NM_017414.4(USP18):c.506C>T (p.Thr169Met)

Gene: USP18 (ubiquitin specific peptidase 18; plus strand). Cytogenetic location: 22q11.21.
Variant type: single nucleotide variant.
Coding change: c.506C>T on transcript NM_017414.4 (MANE Select); coding-DNA position 506, C replaced by T.
Protein change: p.Thr169Met; replaces threonine 169 with methionine.
Molecular consequence: missense variant.
Genome position (GRCh38, 1-based): chr22:18,167,915, C>T. VCF-style: chr22-18167915-C-T. GRCh37 (hg19) VCF-style: chr22-18650682-C-T.
Other names: p.Thr169Met; short protein forms T169M.
Identifiers: ClinVar variation 2628216 (VCV002628216.3), dbSNP rs3180408, ClinGen allele CA10094083.

ClinVar aggregate classification (germline): Benign. Review status: criteria provided, multiple submitters, no conflicts (2 of 4 stars). 2 submissions from 2 submitters: Benign (2). Last evaluated 2023-11-12.

Allele frequency attached by ClinVar (database versions not stated): TOPMed 0.34704; 1000 Genomes Project 0.29732; 1000 Genomes Project 30x 0.30247; ESP Exome Variant Server 0.35937; gnomAD exomes 0.33197; gnomAD 0.34636; ExAC 0.32023.
gnomAD v4.1: 537,277 of 1,612,966 alleles (33%); highest among the groups gnomAD compares: African/African-American, 39%; 91,041 homozygotes.

Submissions (2):

Unidad de Genómica Garrahan, Hospital de Pediatría Garrahan
Classification: Benign. Last evaluated: 2023-11-12. Review status: criteria provided, single submitter. Criteria: ACMG Guidelines, 2015. Collection method: clinical testing. Allele origin: germline. Affected: no. Observed: 37 variant alleles.
Comment: This variant is classified as Benign based on local population frequency. This variant was detected in 39% of patients studied by a panel of primary immunodeficiencies. Number of patients: 37. Only high quality variants are reported.

Mayo Clinic Laboratories, Mayo Clinic
Classification: Benign. Last evaluated: 2022-09-06. Review status: criteria provided, single submitter. Criteria: ACMG Guidelines, 2015. Collection method: clinical testing. Allele origin: germline. Observed: 236 variant alleles.